The following is an entry in ClinVar:

NM_002880.4(RAF1):c.1656C>G (p.Asn552Lys)

Gene: RAF1 (Raf-1 proto-oncogene, serine/threonine kinase; minus strand). Cytogenetic location: 3p25.2.
Variant type: single nucleotide variant.
Coding change: c.1656C>G on transcript NM_002880.4 (MANE Select); coding-DNA position 1656, C replaced by G.
Protein change: p.Asn552Lys; replaces asparagine 552 with lysine.
Molecular consequence: missense variant. On other transcripts: non-coding transcript variant (3).
Genome position (GRCh38, 1-based): chr3:12,585,134, G>C on the plus strand (C>G on the coding strand, the complement: RAF1 is on the minus strand). VCF-style: chr3-12585134-G-C. GRCh37 (hg19) VCF-style: chr3-12626633-G-C.
Other names: c.1716C>G, p.Asn572Lys (NM_001354689.3); c.1656C>G, p.Asn552Lys (NM_001354690.3); c.1413C>G, p.Asn471Lys (NM_001354691.3, NM_001354692.3); c.1557C>G, p.Asn519Lys (NM_001354693.3); c.1473C>G, p.Asn491Lys (NM_001354694.3); c.1314C>G, p.Asn438Lys (NM_001354695.3); short protein forms N471K, N491K, N519K, N552K, N438K, N572K.
Identifiers: ClinVar variation 1777357 (VCV001777357.4), dbSNP rs772194284, ClinGen allele CA351497297.

ClinVar aggregate classification (germline): Uncertain significance. Review status: criteria provided, multiple submitters, no conflicts (2 of 4 stars). 2 submissions from 2 submitters: Uncertain significance (2). Last evaluated 2024-08-08.

Conditions:
Cardiovascular phenotype. Identifiers: MedGen CN230736.
RASopathy. Also called: rasopathies; Noonan spectrum disorder. Identifiers: Orphanet 536391, MedGen C5555857, MONDO:0021060.

Submissions (2):

Labcorp Genetics (formerly Invitae), Labcorp
Classification: Uncertain significance for RASopathy. Last evaluated: 2024-08-08. Review status: criteria provided, single submitter. Criteria: Invitae Variant Classification Sherloc (09022015). Collection method: clinical testing. Allele origin: germline.
Comment: This sequence change replaces asparagine, which is neutral and polar, with lysine, which is basic and polar, at codon 552 of the RAF1 protein (p.Asn552Lys). This variant is not present in population databases (gnomAD no frequency). This variant has not been reported in the literature in individuals affected with RAF1-related conditions. ClinVar contains an entry for this variant (Variation ID: 1777357). Advanced modeling of protein sequence and biophysical properties (such as structural, functional, and spatial information, amino acid conservation, physicochemical variation, residue mobility, and thermodynamic stability) performed at Invitae indicates that this missense variant is expected to disrupt RAF1 protein function with a positive predictive value of 95%. In summary, the available evidence is currently insufficient to determine the role of this variant in disease. Therefore, it has been classified as a Variant of Uncertain Significance.

Ambry Genetics
Classification: Uncertain significance for Cardiovascular phenotype. Last evaluated: 2021-06-15. Review status: criteria provided, single submitter. Criteria: Ambry Variant Classification Scheme 2023. Collection method: clinical testing. Allele origin: germline.
Comment: The p.N552K variant (also known as c.1656C>G), located in coding exon 14 of the RAF1 gene, results from a C to G substitution at nucleotide position 1656. The asparagine at codon 552 is replaced by lysine, an amino acid with similar properties. This amino acid position is well conserved in available vertebrate species. In addition, the in silico prediction for this alteration is inconclusive. Since supporting evidence is limited at this time, the clinical significance of this alteration remains unclear.